The following is an entry in ClinVar:

ClinVar aggregate classification (germline): Uncertain significance (1 of 4 stars; one submission).

Conditions:
Cardiovascular phenotype. Identifiers: MedGen CN230736.

Submission:

Ambry Genetics
Classification: Uncertain significance for Cardiovascular phenotype. Last evaluated: 2025-07-24. Review status: criteria provided, single submitter. Criteria: Ambry Variant Classification Scheme 2023. Collection method: clinical testing. Allele origin: germline.
Comment: The p.V143L variant (also known as c.427G>T), located in coding exon 2 of the NKX2-5 gene, results from a G to T substitution at nucleotide position 427. The valine at codon 143 is replaced by leucine, an amino acid with highly similar properties. This amino acid position is conserved. In addition, this alteration is predicted to be deleterious by in silico analysis. Based on the available evidence, the clinical significance of this variant remains unclear.

NM_004387.4(NKX2-5):c.427G>T (p.Val143Leu)

Gene: NKX2-5 (NK2 homeobox 5; minus strand). Cytogenetic location: 5q35.1.
Variant type: single nucleotide variant.
Coding change: c.427G>T on transcript NM_004387.4 (MANE Select); coding-DNA position 427, G replaced by T.
Protein change: p.Val143Leu; replaces valine 143 with leucine.
Molecular consequence: missense variant. On other transcripts: 3 prime UTR variant (2).
Genome position (GRCh38, 1-based): chr5:173,233,117, C>A on the plus strand (G>T on the coding strand, the complement: NKX2-5 is on the minus strand). VCF-style: chr5-173233117-C-A. GRCh37 (hg19) VCF-style: chr5-172660120-C-A.
Other names: c.*380G>T (NM_001166175.2); c.*226G>T (NM_001166176.2); short protein forms V143L.
Identifiers: ClinVar variation 4120357 (VCV004120357.1).